The following is an entry in ClinVar:

NM_001360.3(DHCR7):c.635C>T (p.Thr212Ile)

Gene: DHCR7 (7-dehydrocholesterol reductase; minus strand). Cytogenetic location: 11q13.4.
Variant type: single nucleotide variant.
Coding change: c.635C>T on transcript NM_001360.3 (MANE Select); coding-DNA position 635, C replaced by T.
Protein change: p.Thr212Ile; replaces threonine 212 with isoleucine.
Molecular consequence: missense variant.
Genome position (GRCh38, 1-based): chr11:71,439,075, G>A on the plus strand (C>T on the coding strand, the complement: DHCR7 is on the minus strand). VCF-style: chr11-71439075-G-A. GRCh37 (hg19) VCF-style: chr11-71150121-G-A.
Other names: c.635C>T, p.Thr212Ile (NM_001425119.1, NM_001425120.1, NM_001425121.1 and 6 more transcripts); c.686C>T, p.Thr229Ile (NM_001425107.1); c.671C>T, p.Thr224Ile (NM_001425108.1); c.575C>T, p.Thr192Ile (NM_001425113.1); c.539C>T, p.Thr180Ile (NM_001425114.1, NM_001425116.1); c.461C>T, p.Thr154Ile (NM_001425117.1); short protein forms T154I, T180I, T192I, T212I, T224I, T229I.
Identifiers: ClinVar variation 3765916 (VCV003765916.2).

ClinVar aggregate classification (germline): Uncertain significance. Review status: criteria provided, multiple submitters, no conflicts (2 of 4 stars). 2 submissions from 2 submitters: Uncertain significance (2). Last evaluated 2025-11-20.

Conditions:
Inborn genetic diseases. Identifiers: MedGen C0950123, MeSH D030342.

Submissions (2):

Ambry Genetics
Classification: Uncertain significance for Inborn genetic diseases. Last evaluated: 2025-11-20. Review status: criteria provided, single submitter. Criteria: Ambry Variant Classification Scheme 2023. Collection method: clinical testing. Allele origin: germline.

GeneDx
Classification: Uncertain significance. Last evaluated: 2024-08-30. Review status: criteria provided, single submitter. Criteria: GeneDx Variant Classification Process June 2021. Collection method: clinical testing. Allele origin: germline. Affected: yes.
Comment: Not observed at significant frequency in large population cohorts (gnomAD); In silico analysis supports that this missense variant has a deleterious effect on protein structure/function; Has not been previously published as pathogenic or benign to our knowledge